The following is an entry in ClinVar:

ClinVar aggregate classification (germline): Pathogenic (1 of 4 stars; one submission).

Submission:

Labcorp Genetics (formerly Invitae), Labcorp
Classification: Pathogenic. Last evaluated: 2023-03-01. Review status: criteria provided, single submitter. Criteria: Invitae Variant Classification Sherloc (09022015). Collection method: clinical testing. Allele origin: germline.
Comment: For these reasons, this variant has been classified as Pathogenic. This variant disrupts a region of the KCNJ11 protein in which other variant(s) (p.Arg34Cys) have been determined to be pathogenic (PMID: 12524280, 23275527, 27908292). This suggests that this is a clinically significant region of the protein, and that variants that disrupt it are likely to be disease-causing. This variant has not been reported in the literature in individuals affected with KCNJ11-related conditions. This variant is not present in population databases (gnomAD no frequency). This sequence change creates a premature translational stop signal (p.Pro21Leufs*109) in the KCNJ11 gene. While this is not anticipated to result in nonsense mediated decay, it is expected to disrupt the last 370 amino acid(s) of the KCNJ11 protein.

Literature cited by the submitters: PubMed 12524280; PubMed 23275527; PubMed 27908292.

NM_000525.4(KCNJ11):c.62del (p.Pro21fs)

Gene: KCNJ11 (potassium inwardly rectifying channel subfamily J member 11; minus strand). Cytogenetic location: 11p15.1.
Variant type: Deletion.
Coding change: c.62del on transcript NM_000525.4 (MANE Select); coding-DNA position 62, one base deleted (C; older notation c.62delC).
Protein change: p.Pro21fs; shifts the reading frame from proline 21.
Molecular consequence: frameshift variant. On other transcripts: 5 prime UTR variant (1), intron variant (2).
Genome position (GRCh38, 1-based): chr11:17,388,030, G deleted on the plus strand (C on the coding strand, the reverse complement: KCNJ11 is on the minus strand); the first of 3 consecutive G bases (chr11:17,388,030-17,388,032); deleting any one gives the same sequence. VCF-style (leftmost placement, unchanged base first): chr11-17388029-AG-A. GRCh37 (hg19) VCF-style: chr11-17409576-AG-A.
Other names: c.-29del (NM_001377296.1); c.-16-184del (NM_001166290.2, NM_001377297.1); short protein forms P21fs.
Identifiers: ClinVar variation 2841775 (VCV002841775.3), dbSNP rs1349144376, ClinGen allele CA597904289.